The following is an entry in ClinVar:

NM_000263.4(NAGLU):c.1207A>T (p.Ile403Phe)

Gene: NAGLU (N-acetyl-alpha-glucosaminidase; plus strand). Cytogenetic location: 17q21.2.
Variant type: single nucleotide variant.
Coding change: c.1207A>T on transcript NM_000263.4 (MANE Select); coding-DNA position 1207, A replaced by T.
Protein change: p.Ile403Phe; replaces isoleucine 403 with phenylalanine.
Molecular consequence: missense variant.
Genome position (GRCh38, 1-based): chr17:42,543,213, A>T. VCF-style: chr17-42543213-A-T. GRCh37 (hg19) VCF-style: chr17-40695231-A-T.
Other names: short protein forms I403F.
Identifiers: ClinVar variation 2008143 (VCV002008143.4), dbSNP rs1488695477, ClinGen allele CA399601442.

ClinVar aggregate classification (germline): Likely pathogenic (1 of 4 stars; one submission).

Conditions:
Mucopolysaccharidosis, MPS-III-B (MPS3B). Also called: N-ACETYL-ALPHA-D-GLUCOSAMINIDASE DEFICIENCY; NAGLU DEFICIENCY; SANFILIPPO SYNDROME B; MPS III B; Mucopolysaccharidosis type IIIB (Sanfilippo B); MPS IIIB (Sanfilippo Syndrome Type B). Identifiers: Orphanet 79270, MedGen C0086648, MONDO:0009656, OMIM 252920.
Charcot-Marie-Tooth disease axonal type 2V. Also called: CHARCOT-MARIE-TOOTH NEUROPATHY, TYPE 2V; CHARCOT-MARIE-TOOTH DISEASE, AXONAL, AUTOSOMAL DOMINANT, TYPE 2V. Identifiers: Orphanet 447964, MedGen C5569050, MONDO:0014665, OMIM 616491.

Submission:

Labcorp Genetics (formerly Invitae), Labcorp
Classification: Likely pathogenic for Charcot-Marie-Tooth disease axonal type 2V; Mucopolysaccharidosis, MPS-III-B. Last evaluated: 2023-08-10. Review status: criteria provided, single submitter. Criteria: Invitae Variant Classification Sherloc (09022015). Collection method: clinical testing. Allele origin: germline.
Comment: In summary, the currently available evidence indicates that the variant is pathogenic, but additional data are needed to prove that conclusively. Therefore, this variant has been classified as Likely Pathogenic. This variant disrupts the p.Ile403 amino acid residue in NAGLU. Other variant(s) that disrupt this residue have been determined to be pathogenic (PMID: 20852935, 25818867). This suggests that this residue is clinically significant, and that variants that disrupt this residue are likely to be disease-causing. Advanced modeling of protein sequence and biophysical properties (such as structural, functional, and spatial information, amino acid conservation, physicochemical variation, residue mobility, and thermodynamic stability) performed at Invitae indicates that this missense variant is expected to disrupt NAGLU protein function. ClinVar contains an entry for this variant (Variation ID: 2008143). This variant has not been reported in the literature in individuals affected with NAGLU-related conditions. This variant is not present in population databases (gnomAD no frequency). This sequence change replaces isoleucine, which is neutral and non-polar, with phenylalanine, which is neutral and non-polar, at codon 403 of the NAGLU protein (p.Ile403Phe).

Literature cited by the submitters: PubMed 20852935; PubMed 25818867.